The following is an entry in ClinVar:

NM_152730.6(TBC1D32):c.2458C>T (p.Arg820Cys)

Gene: TBC1D32 (TBC1 domain family member 32; minus strand). Cytogenetic location: 6q22.31.
Variant type: single nucleotide variant.
Coding change: c.2458C>T on transcript NM_152730.6 (MANE Select); coding-DNA position 2458, C replaced by T.
Protein change: p.Arg820Cys; replaces arginine 820 with cysteine.
Molecular consequence: missense variant. On other transcripts: non-coding transcript variant (1).
Genome position (GRCh38, 1-based): chr6:121,223,259, G>A on the plus strand (C>T on the coding strand, the complement: TBC1D32 is on the minus strand). VCF-style: chr6-121223259-G-A. GRCh37 (hg19) VCF-style: chr6-121544405-G-A.
Other names: c.2458C>T, p.Arg820Cys (NM_001367759.1, NM_001367760.1); c.2458C>T (NM_152730.4); short protein forms R820C.
Identifiers: ClinVar variation 1506005 (VCV001506005.9), dbSNP rs754841752, ClinGen allele CA3980820.

ClinVar aggregate classification (germline): Uncertain significance. Review status: criteria provided, multiple submitters, no conflicts (2 of 4 stars). 2 submissions from 2 submitters: Uncertain significance (2). Last evaluated 2022-11-28.

Conditions:
Inborn genetic diseases. Identifiers: MedGen C0950123, MeSH D030342.

Allele frequency attached by ClinVar (database versions not stated): gnomAD 0.00002; TOPMed 0.00002.
gnomAD v4.1: 25 of 1,571,656 alleles (0.0016%); highest among the groups gnomAD compares: Admixed American, 0.0059%; no homozygotes.

Submissions (2):

Labcorp Genetics (formerly Invitae), Labcorp
Classification: Uncertain significance. Last evaluated: 2022-11-28. Review status: criteria provided, single submitter. Criteria: Invitae Variant Classification Sherloc (09022015). Collection method: clinical testing. Allele origin: germline.
Comment: In summary, the available evidence is currently insufficient to determine the role of this variant in disease. Therefore, it has been classified as a Variant of Uncertain Significance. This sequence change replaces arginine, which is basic and polar, with cysteine, which is neutral and slightly polar, at codon 820 of the TBC1D32 protein (p.Arg820Cys). This variant is present in population databases (rs754841752, gnomAD 0.004%). This variant has not been reported in the literature in individuals affected with TBC1D32-related conditions. ClinVar contains an entry for this variant (Variation ID: 1506005). Algorithms developed to predict the effect of missense changes on protein structure and function (SIFT, PolyPhen-2, Align-GVGD) all suggest that this variant is likely to be disruptive.

Ambry Genetics
Classification: Uncertain significance for Inborn genetic diseases. Last evaluated: 2021-06-11. Review status: criteria provided, single submitter. Criteria: Ambry Variant Classification Scheme 2023. Collection method: clinical testing. Allele origin: germline.